The following is an entry in ClinVar:

NM_138694.4(PKHD1):c.11572A>C (p.Thr3858Pro)

Gene: PKHD1 (PKHD1 ciliary IPT domain containing fibrocystin/polyductin; minus strand). Cytogenetic location: 6p12.3.
Variant type: single nucleotide variant.
Coding change: c.11572A>C on transcript NM_138694.4 (MANE Select); coding-DNA position 11572, A replaced by C.
Protein change: p.Thr3858Pro; replaces threonine 3858 with proline.
Molecular consequence: missense variant.
Genome position (GRCh38, 1-based): chr6:51,632,658, T>G on the plus strand (A>C on the coding strand, the complement: PKHD1 is on the minus strand). VCF-style: chr6-51632658-T-G. GRCh37 (hg19) VCF-style: chr6-51497456-T-G.
Other names: short protein forms T3858P.
Identifiers: ClinVar variation 992068 (VCV000992068.6), dbSNP rs1180404523, ClinGen allele CA364420225.

ClinVar aggregate classification (germline): Uncertain significance. Review status: criteria provided, single submitter (1 of 4 stars). 2 submissions from 2 submitters: Uncertain significance (1). 1 of the submissions does not count toward it. Last evaluated 2021-08-28.

Conditions:
Autosomal recessive polycystic kidney disease (ARPKD). Also called: AR polycystic kidney disease. Identifiers: Orphanet 731, Orphanet 8378, MedGen C0085548, MeSH D017044, MONDO:0009889.

Allele frequency attached by ClinVar (database versions not stated): gnomAD 0.00001.
gnomAD v4.1: 4 of 1,613,458 alleles (0.00025%); highest among the groups gnomAD compares: Non-Finnish European, 0.00034%; no homozygotes.

Submissions (2):

Labcorp Genetics (formerly Invitae), Labcorp
Classification: Uncertain significance for Autosomal recessive polycystic kidney disease. Last evaluated: 2021-08-28. Review status: criteria provided, single submitter. Criteria: Invitae Variant Classification Sherloc (09022015). Collection method: clinical testing. Allele origin: germline.
Comment: This sequence change replaces threonine with proline at codon 3858 of the PKHD1 protein (p.Thr3858Pro). The threonine residue is moderately conserved and there is a small physicochemical difference between threonine and proline. This variant is not present in population databases (ExAC no frequency). This variant has not been reported in the literature in individuals affected with PKHD1-related conditions. Advanced modeling of protein sequence and biophysical properties (such as structural, functional, and spatial information, amino acid conservation, physicochemical variation, residue mobility, and thermodynamic stability) performed at Invitae indicates that this missense variant is not expected to disrupt PKHD1 protein function. In summary, the available evidence is currently insufficient to determine the role of this variant in disease. Therefore, it has been classified as a Variant of Uncertain Significance.

Natera, Inc.
Classification: Uncertain significance for Autosomal recessive polycystic kidney disease. Last evaluated: 2020-08-17. Review status: no assertion criteria provided. Collection method: clinical testing. Allele origin: germline. Not counted in ClinVar's aggregate classification.